The following is an entry in ClinVar:

ClinVar aggregate classification (germline): Conflicting classifications of pathogenicity. Review status: criteria provided, conflicting classifications (1 of 4 stars). 2 submissions from 2 submitters: Likely pathogenic (1); Uncertain significance (1). Last evaluated 2024-08-16.

Conditions:
Hereditary cancer-predisposing syndrome. Also called: Neoplastic Syndromes, Hereditary; Hereditary neoplastic syndrome; Tumor predisposition; Hereditary Cancer Syndrome. Identifiers: Orphanet 140162, MedGen C0027672, MeSH D009386, MONDO:0015356.
Cardiovascular phenotype. Identifiers: MedGen CN230736.

Submissions (2):

Ambry Genetics
Classification: Likely pathogenic for Cardiovascular phenotype; Hereditary cancer-predisposing syndrome. Last evaluated: 2024-08-16. Review status: criteria provided, single submitter. Criteria: Ambry Variant Classification Scheme 2023. Collection method: clinical testing. Allele origin: germline.
Comment: The c.3254T>G (p.L1085R) alteration is located in exon 25 (coding exon 25) of the NF1 gene. This alteration results from a T to G substitution at nucleotide position 3254, causing the leucine (L) at amino acid position 1085 to be replaced by an arginine (R). This variant was not reported in population-based cohorts in the Genome Aggregation Database (gnomAD). Another alteration at the same codon, c.3254T>C (p.L1085P), has been described in individuals meeting clinical criteria for neurofibromatosis type 1 (external communication). This amino acid position is highly conserved in available vertebrate species. This alteration is predicted to be deleterious by in silico analysis. Based on the available evidence, this alteration is classified as likely pathogenic.

ARUP Laboratories, Molecular Genetics and Genomics, ARUP Laboratories
Classification: Uncertain significance. Last evaluated: 2020-12-03. Review status: criteria provided, single submitter. Criteria: ARUP Molecular Germline Variant Investigation Process 2021. Collection method: clinical testing. Allele origin: germline.
Comment: The NF1 c.3254T>G; p.Leu1085Arg variant (rs1555614849), to our knowledge, is not reported in the medical literature but is reported in ClinVar (Variation ID: 520698). This variant is absent from general population databases (Exome Variant Server, Genome Aggregation Database), indicating it is not a common polymorphism. The leucine at codon 1085 is highly conserved, and computational analyses predict that this variant is deleterious (REVEL: 0.74). Due to limited information, the clinical significance of the p.Leu1085Arg variant is uncertain at this time.

NM_001042492.3(NF1):c.3254T>G (p.Leu1085Arg)

Gene: NF1 (neurofibromin 1; plus strand). Cytogenetic location: 17q11.2.
Variant type: single nucleotide variant.
Coding change: c.3254T>G on transcript NM_001042492.3 (MANE Select); coding-DNA position 3254, T replaced by G.
Protein change: p.Leu1085Arg; replaces leucine 1085 with arginine.
Molecular consequence: missense variant.
Genome position (GRCh38, 1-based): chr17:31,232,129, T>G. VCF-style: chr17-31232129-T-G. GRCh37 (hg19) VCF-style: chr17-29559147-T-G.
Other names: c.3254T>G, p.Leu1085Arg (NM_000267.4); short protein forms L1085R.
Identifiers: ClinVar variation 520698 (VCV000520698.11), dbSNP rs1555614849, ClinGen allele CA398988804.
Genomic context (GRCh38, chr17:31,232,129, plus strand): 5'-TCAGAGATTTGGACCAGGCAAGCATGGAAGCAGTAGTTTCACTTCTAGCTGGTCTCCCTC[T>G]GCAGCCTGAAGAAGGAGATGGTGTGGAATTGATGGAAGCCAAATCACAGTTATTTCTTAA-3'
Protein context (NP_001035957.1, residues 1075-1095): AVVSLLAGLP[Leu1085Arg]QPEEGDGVEL